The following is an entry in ClinVar:

NM_024675.4(PALB2):c.1805A>T (p.Gln602Leu)

Gene: PALB2 (partner and localizer of BRCA2; minus strand). Cytogenetic location: 16p12.2.
Variant type: single nucleotide variant.
Coding change: c.1805A>T on transcript NM_024675.4 (MANE Select); coding-DNA position 1805, A replaced by T.
Protein change: p.Gln602Leu; replaces glutamine 602 with leucine.
Molecular consequence: missense variant.
Genome position (GRCh38, 1-based): chr16:23,630,349, T>A on the plus strand (A>T on the coding strand, the complement: PALB2 is on the minus strand). VCF-style: chr16-23630349-T-A. GRCh37 (hg19) VCF-style: chr16-23641670-T-A.
Other names: short protein forms Q602L.
Identifiers: ClinVar variation 221170 (VCV000221170.10), dbSNP rs864622768, ClinGen allele CA348345.

ClinVar aggregate classification (germline): Conflicting classifications of pathogenicity. Review status: criteria provided, conflicting classifications (1 of 4 stars). 2 submissions from 2 submitters: Uncertain significance (1); Likely benign (1). Last evaluated 2026-05-12.

Conditions:
Familial cancer of breast. Also called: hereditary breast carcinoma; BREAST CANCER, FAMILIAL; Hereditary breast cancer. Identifiers: Orphanet 227535, MedGen C0346153, MONDO:0016419, OMIM 114480. Disease mechanism: loss of function.
Hereditary cancer-predisposing syndrome. Also called: Neoplastic Syndromes, Hereditary; Hereditary Cancer Syndrome; Tumor predisposition; Hereditary neoplastic syndrome. Identifiers: Orphanet 140162, MedGen C0027672, MeSH D009386, MONDO:0015356.

Submissions (2):

Ambry Genetics
Classification: Likely benign for Hereditary cancer-predisposing syndrome. Last evaluated: 2026-05-12. Review status: criteria provided, single submitter. Criteria: Ambry Variant Classification Scheme 2023. Collection method: clinical testing. Allele origin: germline.

Labcorp Genetics (formerly Invitae), Labcorp
Classification: Uncertain significance for Familial cancer of breast. Last evaluated: 2022-09-28. Review status: criteria provided, single submitter. Criteria: Invitae Variant Classification Sherloc (09022015). Collection method: clinical testing. Allele origin: germline.
Comment: This variant is not present in population databases (gnomAD no frequency). This sequence change replaces glutamine, which is neutral and polar, with leucine, which is neutral and non-polar, at codon 602 of the PALB2 protein (p.Gln602Leu). This variant has not been reported in the literature in individuals affected with PALB2-related conditions. In summary, the available evidence is currently insufficient to determine the role of this variant in disease. Therefore, it has been classified as a Variant of Uncertain Significance. Advanced modeling of protein sequence and biophysical properties (such as structural, functional, and spatial information, amino acid conservation, physicochemical variation, residue mobility, and thermodynamic stability) performed at Invitae indicates that this missense variant is not expected to disrupt PALB2 protein function. ClinVar contains an entry for this variant (Variation ID: 221170).